The following is an entry in ClinVar:

NM_001243279.3(ACSF3):c.978-1G>A

Genes: ACSF3 (acyl-CoA synthetase family member 3; plus strand), LOC125177393 (P300/CBP strongly-dependent group 1 enhancer GRCh37_chr16:89180375-89181574; plus strand). Cytogenetic location: 16q24.3.
Variant type: single nucleotide variant.
Coding change: c.978-1G>A on transcript NM_001243279.3 (MANE Select); the canonical splice acceptor site of the intron before coding-DNA position 978, G replaced by A.
Molecular consequence: splice acceptor variant.
Genome position (GRCh38, 1-based): chr16:89,114,338, G>A. VCF-style: chr16-89114338-G-A. GRCh37 (hg19) VCF-style: chr16-89180746-G-A.
Other names: c.978-1G>A (NM_001127214.4, NM_174917.5, NM_174917.4); c.183-1G>A (NM_001284316.2).
Identifiers: ClinVar variation 1067132 (VCV001067132.10), dbSNP rs756599931, ClinGen allele CA8237925.

ClinVar aggregate classification (germline): Likely pathogenic. Review status: criteria provided, multiple submitters, no conflicts (2 of 4 stars). 3 submissions from 3 submitters: Likely pathogenic (3). Last evaluated 2024-04-29.

Conditions:
Combined malonic and methylmalonic acidemia. Identifiers: Orphanet 289504, MedGen C3280314, MONDO:0013661, OMIM 614265.

Allele frequency attached by ClinVar (database versions not stated): gnomAD exomes below 0.00001 and 0.00001; ExAC 0.00001; gnomAD 0.00002; TOPMed 0.00002.
gnomAD v4.1: 7 of 1,613,886 alleles (0.00043%); highest among the groups gnomAD compares: Middle Eastern, 0.016%; no homozygotes.

Submissions (3):

Natera, Inc.
Classification: Likely pathogenic for Combined malonic and methylmalonic aciduria. Last evaluated: 2024-04-29. Review status: criteria provided, single submitter. Criteria: Natera Variant Classification Schema (03/2026). Collection method: clinical testing. Allele origin: germline.
Comment: The c.978-1G>A variant in ACSF3 is a canonical splice acceptor site variant predicted to affect pre-mRNA splicing, which may result in an abnormal transcript and altered protein product. This variant is expected to result in nonsense mediated decay, truncation, or a dysfunctional protein product. This variant is rare in the general population with a frequency below the threshold expected for the associated phenotype(s). Given the available evidence, this variant is classified as Likely Pathogenic.

Baylor Genetics
Classification: Likely pathogenic for Combined malonic and methylmalonic acidemia. Last evaluated: 2024-03-19. Review status: criteria provided, single submitter. Criteria: ACMG Guidelines, 2015. Collection method: clinical testing. Allele origin: unknown.

Labcorp Genetics (formerly Invitae), Labcorp
Classification: Likely pathogenic for Combined malonic and methylmalonic acidemia. Last evaluated: 2023-09-08. Review status: criteria provided, single submitter. Criteria: Invitae Variant Classification Sherloc (09022015). Collection method: clinical testing. Allele origin: germline.
Comment: This variant is present in population databases (rs756599931, gnomAD 0.0009%). In summary, the currently available evidence indicates that the variant is pathogenic, but additional data are needed to prove that conclusively. Therefore, this variant has been classified as Likely Pathogenic. Algorithms developed to predict the effect of sequence changes on RNA splicing suggest that this variant may disrupt the consensus splice site. ClinVar contains an entry for this variant (Variation ID: 1067132). This variant has not been reported in the literature in individuals affected with ACSF3-related conditions. This sequence change affects an acceptor splice site in intron 5 of the ACSF3 gene. It is expected to disrupt RNA splicing. Variants that disrupt the donor or acceptor splice site typically lead to a loss of protein function (PMID: 16199547), and loss-of-function variants in ACSF3 are known to be pathogenic (PMID: 21841779, 26827111).

Literature cited by the submitters: PubMed 16199547 (cited by Labcorp Genetics (formerly Invitae), Labcorp); PubMed 21841779 (cited by Labcorp Genetics (formerly Invitae), Labcorp); PubMed 26827111 (cited by Labcorp Genetics (formerly Invitae), Labcorp).